The following is an entry in ClinVar:

NM_001164508.2(NEB):c.10870G>A (p.Asp3624Asn)

Gene: NEB (nebulin; minus strand). Cytogenetic location: 2q23.3.
Variant type: single nucleotide variant.
Coding change: c.10870G>A on transcript NM_001164508.2 (MANE Select); coding-DNA position 10870, G replaced by A.
Protein change: p.Asp3624Asn; replaces aspartic acid 3624 with asparagine.
Molecular consequence: missense variant.
Genome position (GRCh38, 1-based): chr2:151,619,453, C>T on the plus strand (G>A on the coding strand, the complement: NEB is on the minus strand). VCF-style: chr2-151619453-C-T. GRCh37 (hg19) VCF-style: chr2-152475967-C-T.
Other names: c.10870G>A, p.Asp3624Asn (NM_001164507.2, NM_001271208.2); c.10141G>A, p.Asp3381Asn (NM_004543.5); short protein forms D3624N, D3381N.
Identifiers: ClinVar variation 2820076 (VCV002820076.3), dbSNP rs2552232691, ClinGen allele CA348787377.

ClinVar aggregate classification (germline): Uncertain significance (1 of 4 stars; one submission).

Conditions:
Nemaline myopathy 2 (NEM2). Also called: Nemaline myopathy 2, autosomal recessive. Identifiers: MedGen C1850569, MONDO:0009725, OMIM 256030.

Allele frequency attached by ClinVar (database versions not stated): gnomAD exomes below 0.00001.
gnomAD v4.1: 1 of 1,590,306 alleles (0.000063%); highest among the groups gnomAD compares: Non-Finnish European, 0.000086%; no homozygotes.

Submission:

Labcorp Genetics (formerly Invitae), Labcorp
Classification: Uncertain significance for Nemaline myopathy 2. Last evaluated: 2023-09-29. Review status: criteria provided, single submitter. Criteria: Invitae Variant Classification Sherloc (09022015). Collection method: clinical testing. Allele origin: germline.
Comment: This sequence change replaces aspartic acid, which is acidic and polar, with asparagine, which is neutral and polar, at codon 3624 of the NEB protein (p.Asp3624Asn). In summary, the available evidence is currently insufficient to determine the role of this variant in disease. Therefore, it has been classified as a Variant of Uncertain Significance. Experimental studies and prediction algorithms are not available or were not evaluated, and the functional significance of this variant is currently unknown. This variant has not been reported in the literature in individuals affected with NEB-related conditions. This variant is not present in population databases (gnomAD no frequency).